The following is an entry in ClinVar:

NM_000451.4(SHOX):c.382C>T (p.Gln128Ter)

Genes: SHOX (SHOX homeobox; plus strand), LOC107652445 (meiotic recombination hotspot SHOX; plus strand). Cytogenetic location: Xp22.33.
Variant type: single nucleotide variant.
Coding change: c.382C>T on transcript NM_000451.4 (MANE Select); coding-DNA position 382, C replaced by T.
Protein change: p.Gln128Ter; replaces glutamine 128 with a stop codon.
Molecular consequence: nonsense.
Genome position (GRCh38, 1-based): chrX:634,722, C>T. VCF-style: chrX-634722-C-T. GRCh37 (hg19) VCF-style: chrX-595457-C-T.
Other names: c.382C>T, p.Gln128Ter (NM_006883.2); short protein forms Q128*.
Identifiers: ClinVar variation 5040178 (VCV005040178.1).

ClinVar aggregate classification (germline): Pathogenic (1 of 4 stars; one submission).

Submission:

CeGaT Center for Human Genetics Tuebingen
Classification: Pathogenic. Last evaluated: 2026-07-01. Review status: criteria provided, single submitter. Criteria: CeGaT Center For Human Genetics Tuebingen Variant Classification Criteria Version 2. Collection method: clinical testing. Allele origin: germline. Affected: yes. Observed: 1 variant allele.
Comment: SHOX: PVS1, PM2